The following is an entry in ClinVar:

NM_018149.7(SMG8):c.1534del (p.Gln512fs)

Gene: SMG8 (SMG8 nonsense mediated mRNA decay factor; plus strand). Cytogenetic location: 17q22.
Variant type: Deletion.
Coding change: c.1534del on transcript NM_018149.7 (MANE Select); coding-DNA position 1534, one base deleted (C; older notation c.1534delC).
Protein change: p.Gln512fs; shifts the reading frame from glutamine 512.
Molecular consequence: frameshift variant.
Genome position (GRCh38, 1-based): chr17:59,211,585, C deleted; the last of 2 consecutive C bases (chr17:59,211,584-59,211,585); deleting either gives the same sequence. VCF-style (leftmost placement, unchanged base first): chr17-59211583-AC-A. GRCh37 (hg19) VCF-style: chr17-57288944-AC-A.
Other names: c.1534delC (NM_018149.6); short protein forms Q512fs.
Identifiers: ClinVar variation 2503804 (VCV002503804.1), dbSNP rs1277270999, ClinGen allele CA627144798.
Genomic context (GRCh38, chr17:59,211,583, plus strand): 5'-TTGACACAAAATTCTCAGAAAACCGATGCCAAAAAGCTTTACCCATGGCCCACAGTGCCT[AC>A]CAGTCAAATTTGCCTCATAATTACACAATGACTGTCCATAAGAATCAGCTTGCCCAGGCT-3'

ClinVar aggregate classification (germline): Likely pathogenic (1 of 4 stars; one submission).

Conditions:
Alzahrani-Kuwahara syndrome. Also called: NEURODEVELOPMENTAL DISORDER WITH DYSMORPHIC FACIES AND CATARACTS. Identifiers: MedGen C5543274, MONDO:0859136, OMIM 619268.

Submission:

Women's Health and Genetics/Laboratory Corporation of America, LabCorp
Classification: Likely pathogenic for Alzahrani-Kuwahara syndrome. Last evaluated: 2023-04-24. Review status: criteria provided, single submitter. Criteria: LabCorp Variant Classification Summary - May 2015. Collection method: clinical testing. Allele origin: germline.
Comment: Variant summary: C17orf71 c.1534delC (p.Gln512SerfsX10) results in a premature termination codon, predicted to cause a truncation of the encoded protein or absence of the protein due to nonsense mediated decay, which are commonly known mechanisms for disease. At least one truncating variant downstream of this position has been reported in the literature in association with Alzahrani-Kuwahara syndrome, specifically c.2515C>T (p.R839X; PMID: 33242396). The variant allele was found at a frequency of 6.6e-06 in 151012 control chromosomes (gnomAD v3). The available data on variant occurrences in the general population are insufficient to allow any conclusion about variant significance. To our knowledge, no occurrence of c.1534delC in individuals affected with Alzahrani-Kuwahara Syndrome and no experimental evidence demonstrating its impact on protein function have been reported. No clinical diagnostic laboratories have submitted clinical-significance assessments for this variant to ClinVar after 2014. Based on the evidence outlined above, the variant was classified as likely pathogenic.